The following is an entry in ClinVar:

NM_006030.4(CACNA2D2):c.1118C>T (p.Ala373Val)

Gene: CACNA2D2 (calcium voltage-gated channel auxiliary subunit alpha2delta 2; minus strand). Cytogenetic location: 3p21.31.
Variant type: single nucleotide variant.
Coding change: c.1118C>T on transcript NM_006030.4 (MANE Select); coding-DNA position 1118, C replaced by T.
Protein change: p.Ala373Val; replaces alanine 373 with valine.
Molecular consequence: missense variant.
Genome position (GRCh38, 1-based): chr3:50,379,466, G>A on the plus strand (C>T on the coding strand, the complement: CACNA2D2 is on the minus strand). VCF-style: chr3-50379466-G-A. GRCh37 (hg19) VCF-style: chr3-50416897-G-A.
Other names: c.1118C>T, p.Ala373Val (NM_001005505.3, NM_001174051.3); c.911C>T, p.Ala304Val (NM_001291101.1); short protein forms A304V, A373V.
Identifiers: ClinVar variation 1347798 (VCV001347798.9), dbSNP rs2106661174, ClinGen allele CA352935512.
Genomic context (GRCh38, chr3:50,379,466, plus strand): 5'-CCCACTTGCCCACCCATGGGGCTCACGTTCTGCAGCTGGTCAAAGGCATACTCAAAGCCG[G>A]CCTTGTAGCCTGTGGTGCCCTTGGCCACCATGCCCTGCACAGCTTCCTTGAACACCTTCT-3'
Protein context (NP_006021.2, residues 363-383): MVAKGTTGYK[Ala373Val]GFEYAFDQLQ

ClinVar aggregate classification (germline): Uncertain significance (1 of 4 stars; one submission).

Conditions:
Early-infantile DEE. Also called: Early infantile epileptic encephalopathy; Early infantile epileptic encephalopathy with suppression bursts; Ohtahara syndrome. Identifiers: Orphanet 1934, MedGen C0393706, MONDO:0800491.

Submission:

Labcorp Genetics (formerly Invitae), Labcorp
Classification: Uncertain significance for Early-infantile DEE. Last evaluated: 2022-07-05. Review status: criteria provided, single submitter. Criteria: Invitae Variant Classification Sherloc (09022015). Collection method: clinical testing. Allele origin: germline.
Comment: This variant has not been reported in the literature in individuals affected with CACNA2D2-related conditions. In summary, the available evidence is currently insufficient to determine the role of this variant in disease. Therefore, it has been classified as a Variant of Uncertain Significance. Algorithms developed to predict the effect of sequence changes on RNA splicing suggest that this variant may create or strengthen a splice site. Algorithms developed to predict the effect of missense changes on protein structure and function are either unavailable or do not agree on the potential impact of this missense change (SIFT: "Deleterious"; PolyPhen-2: "Possibly Damaging"; Align-GVGD: "Class C0"). ClinVar contains an entry for this variant (Variation ID: 1347798). This variant is not present in population databases (gnomAD no frequency). This sequence change replaces alanine, which is neutral and non-polar, with valine, which is neutral and non-polar, at codon 373 of the CACNA2D2 protein (p.Ala373Val).